The following is an entry in ClinVar:

ClinVar aggregate classification (germline): Uncertain significance (1 of 4 stars; one submission).

Conditions:
Developmental and epileptic encephalopathy 94 (DEE94). Also called: CHD2-Related Neurodevelopmental Disorders; Epileptic encephalopathy, childhood-onset. Identifiers: Orphanet 1942, Orphanet 2382, MedGen C3809278, MONDO:0014150, OMIM 615369.

gnomAD v4.1: 3 of 1,612,524 alleles (0.00019%); highest among the groups gnomAD compares: Admixed American, 0.005%; no homozygotes.

Submission:

Labcorp Genetics (formerly Invitae), Labcorp
Classification: Uncertain significance for Developmental and epileptic encephalopathy 94. Last evaluated: 2025-12-05. Review status: criteria provided, single submitter. Criteria: Invitae Variant Classification Sherloc (09022015). Collection method: clinical testing. Allele origin: germline.
Comment: This sequence change falls in intron 7 of the CHD2 gene. It does not directly change the encoded amino acid sequence of the CHD2 protein. It affects a nucleotide within the consensus splice site. This variant is present in population databases (no rsID available, gnomAD 0.006%). This variant has not been reported in the literature in individuals affected with CHD2-related conditions. Variants that disrupt the consensus splice site are a relatively common cause of aberrant splicing (PMID: 17576681, 9536098). Algorithms developed to predict the effect of sequence changes on RNA splicing suggest that this variant is not likely to affect RNA splicing. In summary, the available evidence is currently insufficient to determine the role of this variant in disease. Therefore, it has been classified as a Variant of Uncertain Significance.

Literature cited by the submitters: PubMed 17576681; PubMed 9536098.

NM_001271.4(CHD2):c.692+6T>C

Gene: CHD2 (chromodomain helicase DNA binding protein 2; plus strand). Cytogenetic location: 15q26.1.
Variant type: single nucleotide variant.
Coding change: c.692+6T>C on transcript NM_001271.4 (MANE Select); 6 bases into the intron after coding-DNA position 692, T replaced by C.
Molecular consequence: intron variant.
Genome position (GRCh38, 1-based): chr15:92,939,724, T>C. VCF-style: chr15-92939724-T-C. GRCh37 (hg19) VCF-style: chr15-93482954-T-C.
Other names: c.692+6T>C (NM_001042572.3).
Identifiers: ClinVar variation 4749266 (VCV004749266.1).
Genomic context (GRCh38, chr15:92,939,724, plus strand): 5'-ATGATGACGAAGCTCCCAAAAGGCAGACTCGTCGAAGAGCGGCTAAAAACGTTAGGTAAG[T>C]TGTACCCCAGAAGTGTTTCACTGGTGTGATGTGATAAAGTAGTTGGTTAGATTTTGGTTC-3'